The following is an entry in ClinVar:

ClinVar aggregate classification (germline): Pathogenic (1 of 4 stars; one submission).

Submission:

ISCA Site 6
Classification: Pathogenic. Last evaluated: 2011-08-12. Review status: criteria provided, single submitter. Criteria: Kaminsky et al. (Genet Med. 2011). Collection method: clinical testing. Allele origin: paternal. Affected: yes. Observed: 2 variant alleles.
Comment: Copy number variation identified through the course of routine clinical cytogenomic testing in postnatal populations. Clinical assertions have been curated as described in Kaminsky et al. 2011.

GRCh38/hg38 1q21.1-21.2(chr1:146987841-148328747)x1

Genes: ACP6 (acid phosphatase 6, lysophosphatidic; minus strand), BCL9 (BCL9 transcription coactivator; plus strand), CHD1L (chromodomain helicase DNA binding protein 1 like; plus strand), FMO5 (flavin containing dimethylaniline monoxygenase 5; minus strand), GJA5 (gap junction protein alpha 5; minus strand) and 44 more. Cytogenetic location: 1q21.1-21.2.
Variant type: copy number loss.
Change: copy number 1 (one copy instead of two) of chr1:146,987,841-148,328,747 (1.34 Mb, GRCh38 coordinates, 1-based), cytogenetic band 1q21.1-21.2.
Identifiers: ClinVar variation 58508 (VCV000058508.2).